The following is an entry in ClinVar:

ClinVar aggregate classification (germline): Conflicting classifications of pathogenicity. Review status: criteria provided, conflicting classifications (1 of 4 stars). 2 submissions from 2 submitters: Likely pathogenic (1); Uncertain significance (1). Last evaluated 2026-06-15.

Conditions:
Lissencephaly due to TUBA1A mutation (CDCBM16). Also called: Lissencephaly 3; CORTICAL DYSPLASIA, COMPLEX, WITH OTHER BRAIN MALFORMATIONS 16. Identifiers: Orphanet 171680, MedGen C4305153, MONDO:0012703, OMIM 611603.
Inborn genetic diseases. Identifiers: MedGen C0950123, MeSH D030342.

Allele frequency attached by ClinVar (database versions not stated): gnomAD exomes 0.00001.
gnomAD v4.1: 8 of 1,607,128 alleles (0.0005%); highest among the groups gnomAD compares: South Asian, 0.0077%; no homozygotes.

Submissions (2):

Human Genetics Bochum, Ruhr University Bochum
Classification: Likely pathogenic for Lissencephaly due to TUBA1A mutation. Last evaluated: 2026-06-15. Review status: criteria provided, single submitter. Criteria: ACMG Guidelines, 2015. Collection method: clinical testing. Allele origin: germline. Affected: yes.
Comment: als de novo; ACMG criteria used to clasify this variant: PS2, PM1_SUP, PP2

Ambry Genetics
Classification: Uncertain significance for Inborn genetic diseases. Last evaluated: 2017-10-12. Review status: criteria provided, single submitter. Criteria: Ambry exome assertion method (8-5-2015). Collection method: clinical testing. Allele origin: germline. Affected: yes. Observed: 1 variant allele.

NM_006009.4(TUBA1A):c.251G>A (p.Arg84His)

Gene: TUBA1A (tubulin alpha 1a; minus strand). Cytogenetic location: 12q13.12.
Variant type: single nucleotide variant.
Coding change: c.251G>A on transcript NM_006009.4 (MANE Select); coding-DNA position 251, G replaced by A.
Protein change: p.Arg84His; replaces arginine 84 with histidine.
Molecular consequence: missense variant.
Genome position (GRCh38, 1-based): chr12:49,186,434, C>T on the plus strand (G>A on the coding strand, the complement: TUBA1A is on the minus strand). VCF-style: chr12-49186434-C-T. GRCh37 (hg19) VCF-style: chr12-49580217-C-T.
Other names: c.251G>A, p.Arg84His (NM_001270399.2); c.146G>A, p.Arg49His (NM_001270400.2); short protein forms R49H, R84H.
Identifiers: ClinVar variation 985157 (VCV000985157.4), dbSNP rs1400284461, ClinGen allele CA384643659.